The following is an entry in ClinVar:

NM_002528.7(NTHL1):c.353dup (p.Val119fs)

Gene: NTHL1 (nth like DNA glycosylase 1; minus strand). Cytogenetic location: 16p13.3.
Variant type: Duplication.
Coding change: c.353dup on transcript NM_002528.7 (MANE Select); coding-DNA position 353, one base duplicated (A; older notation c.353dupA).
Protein change: p.Val119fs; shifts the reading frame from valine 119.
Molecular consequence: frameshift variant. On other transcripts: intron variant (1).
Genome position (GRCh38, 1-based): chr16:2,046,129, T duplicated on the plus strand (A on the coding strand, the reverse complement: NTHL1 is on the minus strand); the first of 3 consecutive T bases (chr16:2,046,129-2,046,131); duplicating any one gives the same sequence. VCF-style (leftmost placement, unchanged base first): chr16-2046128-C-CT. GRCh37 (hg19) VCF-style: chr16-2096129-C-CT.
Other names: c.353dup, p.Ser119fs (NM_001318193.2); c.24+151dup (NM_001318194.2); short protein forms S119fs, V119fs.
Identifiers: ClinVar variation 2673813 (VCV002673813.4), dbSNP rs2548319061, ClinGen allele CA2695197407.

ClinVar aggregate classification (germline): Pathogenic. Review status: criteria provided, multiple submitters, no conflicts (2 of 4 stars). 2 submissions from 2 submitters: Pathogenic (2). Last evaluated 2026-01-12.

Conditions:
Familial adenomatous polyposis 3. Also called: NTHL1-Related Adenomatous Polyposis and Colorectal Cancer; NTHL1 Tumor Syndrome; NTHL1-related attenuated familial adenomatous polyposis; NTHL1-associated polyposis. Identifiers: Orphanet 220460, Orphanet 454840, MedGen C4225157, MONDO:0014630, OMIM 616415.

Submissions (2):

Labcorp Genetics (formerly Invitae), Labcorp
Classification: Pathogenic. Last evaluated: 2026-01-12. Review status: criteria provided, single submitter. Criteria: Invitae Variant Classification Sherloc (09022015). Collection method: clinical testing. Allele origin: germline.
Comment: This sequence change creates a premature translational stop signal (p.Val127Glyfs*43) in the NTHL1 gene. It is expected to result in an absent or disrupted protein product. Loss-of-function variants in NTHL1 are known to be pathogenic (PMID: 25938944, 26559593). This variant is not present in population databases (gnomAD no frequency). This variant has not been reported in the literature in individuals affected with NTHL1-related conditions. ClinVar contains an entry for this variant (Variation ID: 2673813). For these reasons, this variant has been classified as Pathogenic.

Myriad Genetics, Inc.
Classification: Pathogenic for Familial adenomatous polyposis 3. Last evaluated: 2023-09-05. Review status: criteria provided, single submitter. Criteria: Myriad Autosomal Dominant, Autosomal Recessive and X-Linked Classification Criteria (2023). Collection method: clinical testing. Allele origin: unknown.
Comment: This variant is considered pathogenic. This variant creates a frameshift predicted to result in premature protein truncation.

Literature cited by the submitters: PubMed 25938944 (cited by Labcorp Genetics (formerly Invitae), Labcorp); PubMed 26559593 (cited by Labcorp Genetics (formerly Invitae), Labcorp).